The following is an entry in ClinVar:

NM_005495.3(SLC17A4):c.1297C>T (p.Gln433Ter)

Genes: SLC17A1 (solute carrier family 17 member 1; minus strand), SLC17A4 (solute carrier family 17 member 4; plus strand). Cytogenetic location: 6p22.2.
Variant type: single nucleotide variant.
Coding change: c.1297C>T on transcript NM_005495.3 (MANE Select); coding-DNA position 1297, C replaced by T.
Protein change: p.Gln433Ter; replaces glutamine 433 with a stop codon.
Molecular consequence: nonsense.
Genome position (GRCh38, 1-based): chr6:25,777,954, C>T. VCF-style: chr6-25777954-C-T. GRCh37 (hg19) VCF-style: chr6-25778182-C-T.
Other names: NC_000006.11:g.25778182C>T; c.1135C>T, p.Gln379Ter (NM_001286121.1); short protein forms Q379*, Q433*.
Identifiers: ClinVar variation 3904789 (VCV003904789.11).

ClinVar aggregate classification (germline): Benign (1 of 4 stars; one submission).

gnomAD v4.1: 20,235 of 1,612,930 alleles (1.3%); highest among the groups gnomAD compares: Non-Finnish European, 1.4%; 175 homozygotes.

Submissions (5):

CeGaT Center for Human Genetics Tuebingen
Classification: Benign. Last evaluated: 2025-06-01. Review status: criteria provided, single submitter. Criteria: CeGaT Center For Human Genetics Tuebingen Variant Classification Criteria Version 2. Collection method: clinical testing. Allele origin: germline. Affected: yes. Observed: 1 variant allele.
Comment: SLC17A4: BS1, BS2

Dr. Peter K. Rogan Lab, Western University
No classification provided (evidence only). Condition: Clear cell carcinoma of kidney. Review status: no classification provided. Collection method: in vitro. Allele origin: not applicable. Functional consequence: retained intron. Not counted in ClinVar's aggregate classification.

Dr. Peter K. Rogan Lab, Western University
No classification provided (evidence only). Condition: Clear cell carcinoma of kidney. Review status: no classification provided. Collection method: in vitro. Allele origin: not applicable. Functional consequence: retained intron. Not counted in ClinVar's aggregate classification.

Dr. Peter K. Rogan Lab, Western University
No classification provided (evidence only). Condition: Hepatocellular carcinoma. Review status: no classification provided. Collection method: in vitro. Allele origin: not applicable. Functional consequence: retained intron. Not counted in ClinVar's aggregate classification.

Dr. Peter K. Rogan Lab, Western University
No classification provided (evidence only). Condition: Gastric cancer. Review status: no classification provided. Collection method: in vitro. Allele origin: not applicable. Functional consequence: retained intron. Not counted in ClinVar's aggregate classification.